The following is an entry in ClinVar:

NM_001615.4(ACTG2):c.442C>A (p.Arg148Ser)

Gene: ACTG2 (actin gamma 2, smooth muscle; plus strand). Cytogenetic location: 2p13.1.
Variant type: single nucleotide variant.
Coding change: c.442C>A on transcript NM_001615.4 (MANE Select); coding-DNA position 442, C replaced by A.
Protein change: p.Arg148Ser; replaces arginine 148 with serine.
Molecular consequence: missense variant.
Genome position (GRCh38, 1-based): chr2:73,909,130, C>A. VCF-style: chr2-73909130-C-A. GRCh37 (hg19) VCF-style: chr2-74136257-C-A.
Other names: c.313C>A, p.Arg105Ser (NM_001199893.2); short protein forms R148S, R105S.
Identifiers: ClinVar variation 132797 (VCV000132797.7), dbSNP rs587777383, ClinGen allele CA289148.

ClinVar aggregate classification (germline): Pathogenic. Review status: criteria provided, single submitter (1 of 4 stars). 3 submissions from 3 submitters: Pathogenic (1). 2 of the submissions do not count toward it. Last evaluated 2024-09-22.

Conditions:
Visceral myopathy 1 (VSCM1). Also called: Visceral myopathy; Infantile visceral myopathy; ACTG2 Visceral Myopathy. Identifiers: Orphanet 2604, MedGen C5542197, MONDO:0020754, OMIM 155310.
Chronic intestinal pseudoobstruction. Also called: Chronic Intestinal Pseudoobstruction (CIPO). Identifiers: Orphanet 2978, MedGen C0238062, MONDO:0017574.

Submissions (3):

Victorian Clinical Genetics Services, Murdoch Childrens Research Institute
Classification: Pathogenic for Visceral myopathy 1. Last evaluated: 2024-09-22. Review status: criteria provided, single submitter. Criteria: ACMG Guidelines, 2015. Collection method: clinical testing. Allele origin: germline. Inheritance: Autosomal dominant inheritance. Affected: yes.
Comment: Based on the classification scheme VCGS_Germline_v1.3.4, this variant is classified as Pathogenic. Following criteria are met: 0104 - Dominant negative has been suggested as a mechanism of disease in this gene and is associated with visceral myopathy 1 (MIM#155310), a phenotype which encompasses megacystic microcolon intestinal hypoperistalsis syndrome (MMIHS; MIM#619431) and chronic intestinal pseudoobstruction (CIPO) (PMIDs: 26072522, 26647307, 32814715). (I) 0107 - This gene is associated with autosomal dominant disease. (I) 0115 - Variants in this gene are known to have variable expressivity. Intra-familial clinical variability has been reported (OMIM, PMID: 26072522). (I) 0200 - Variant is predicted to result in a missense amino acid change from arginine to serine. (I) 0251 - This variant is heterozygous. (I) 0301 - Variant is absent from gnomAD (both v2 and v3). (SP) 0309 - Multiple alternative amino acid changes at the same position have been observed in gnomAD (v3) (highest allele count: 2 heterozygotes, 0 homozygotes). (I) 0501 - Missense variant consistently predicted to be damaging by multiple in silico tools or highly conserved with a major amino acid change. (SP) 0603 - Missense variant in a region that is highly intolerant to missense variation (high constraint region in DECIPHER). (SP) 0802 - This variant has moderate previous evidence of pathogenicity in unrelated individuals. This variant has been identified in three unrelated individuals with ACTG2-related features, including one family with multiple affected members with familial visceral myopathy (PMIDs: 22960657, 26813947, 24777424). (SP) 0902 - This variant has moderate evidence for segregation with disease. This variant has been identified in a three-generation family with visceral myopathy and is observed to segregate with the familial visceral myopathy phenotype (PMID: 22960657). (SP) 1002 - This variant has moderate functional evidence supporting abnormal protein function. Sarcoma cells transfected with the R148S variant show interference with endogenous actin cytoskeletal organisation and cell contractility (PMID: 22960657). (SP) 1208 - Inheritance information for this variant is not currently available in this individual. (I) Legend: (SP) - Supporting pathogenic, (I) - Information, (SB) - Supporting benign

UOSD Genetics and Genomics of Rare Diseases, Istituto Giannina Gaslini
Classification: Pathogenic for Chronic intestinal pseudoobstruction. Last evaluated: 2015-05-02. Review status: no assertion criteria provided. Collection method: research. Allele origin: germline. Affected: yes. Not counted in ClinVar's aggregate classification.

OMIM
Classification: Pathogenic for VISCERAL MYOPATHY 1. Last evaluated: 2014-06-01. Review status: no assertion criteria provided. Collection method: literature only. Allele origin: germline. Not counted in ClinVar's aggregate classification.

Literature cited by the submitters: PubMed 22960657 (cited by Victorian Clinical Genetics Services, Murdoch Childrens Research Institute and OMIM); PubMed 24777424 (cited by Victorian Clinical Genetics Services, Murdoch Childrens Research Institute and OMIM); PubMed 26072522 (cited by Victorian Clinical Genetics Services, Murdoch Childrens Research Institute and UOSD Genetics and Genomics of Rare Diseases, Istituto Giannina Gaslini); PubMed 26647307 (cited by Victorian Clinical Genetics Services, Murdoch Childrens Research Institute and OMIM); PubMed 26813947 (cited by Victorian Clinical Genetics Services, Murdoch Childrens Research Institute and UOSD Genetics and Genomics of Rare Diseases, Istituto Giannina Gaslini); PubMed 32814715 (cited by Victorian Clinical Genetics Services, Murdoch Childrens Research Institute); PubMed 24676022 (cited by UOSD Genetics and Genomics of Rare Diseases, Istituto Giannina Gaslini); PubMed 25998219 (cited by UOSD Genetics and Genomics of Rare Diseases, Istituto Giannina Gaslini); PubMed 24337657 (cited by UOSD Genetics and Genomics of Rare Diseases, Istituto Giannina Gaslini).